The following is an entry in ClinVar:

NM_015160.3(PMPCA):c.518A>G (p.Gln173Arg)

Gene: PMPCA (peptidase, mitochondrial processing subunit alpha; plus strand). Cytogenetic location: 9q34.3.
Variant type: single nucleotide variant.
Coding change: c.518A>G on transcript NM_015160.3 (MANE Select); coding-DNA position 518, A replaced by G.
Protein change: p.Gln173Arg; replaces glutamine 173 with arginine.
Molecular consequence: missense variant. On other transcripts: intron variant (1).
Genome position (GRCh38, 1-based): chr9:136,414,633, A>G. VCF-style: chr9-136414633-A-G. GRCh37 (hg19) VCF-style: chr9-139309085-A-G.
Other names: c.140-1658A>G (NM_001282944.2); c.218A>G, p.Gln73Arg (NM_001282946.2); short protein forms Q73R, Q173R.
Identifiers: ClinVar variation 4780964 (VCV004780964.1).
Genomic context (GRCh38, chr9:136,414,633, plus strand): 5'-TGTCTGCTGATAGCAAAGGCTTGGACACGGTGGTTGCCTTACTGGCTGATGTGGTTCTGC[A>G]GCCCCGGCTAACAGGTGTGGATCCCAGCCGCTGGCGTTTGAGGTGGGCTTGGACATAGGG-3'
Protein context (NP_055975.1, residues 163-183): VVALLADVVL[Gln173Arg]PRLTDEEVEM

ClinVar aggregate classification (germline): Uncertain significance (1 of 4 stars; one submission).

gnomAD v4.1: 1 of 1,611,714 alleles (0.000062%); highest among the groups gnomAD compares: East Asian, 0.0022%; no homozygotes.

Submission:

Labcorp Genetics (formerly Invitae), Labcorp
Classification: Uncertain significance. Last evaluated: 2025-12-16. Review status: criteria provided, single submitter. Criteria: Invitae Variant Classification Sherloc (09022015). Collection method: clinical testing. Allele origin: germline.
Comment: This sequence change replaces glutamine, which is neutral and polar, with arginine, which is basic and polar, at codon 173 of the PMPCA protein (p.Gln173Arg). This variant is not present in population databases (gnomAD no frequency). This variant has not been reported in the literature in individuals affected with PMPCA-related conditions. Invitae Evidence Modeling of protein sequence and biophysical properties (such as structural, functional, and spatial information, amino acid conservation, physicochemical variation, residue mobility, and thermodynamic stability) indicates that this missense variant is not expected to disrupt PMPCA protein function with a negative predictive value of 80%. In summary, the available evidence is currently insufficient to determine the role of this variant in disease. Therefore, it has been classified as a Variant of Uncertain Significance.